The following is an entry in ClinVar:

NM_020998.4(MST1):c.1167G>A (p.Gly389=)

Gene: MST1 (macrophage stimulating 1; minus strand). Cytogenetic location: 3p21.31.
Variant type: single nucleotide variant.
Coding change: c.1167G>A on transcript NM_020998.4 (MANE Select); coding-DNA position 1167, G replaced by A.
Protein change: p.Gly389=; no amino-acid change (glycine 389 retained).
Molecular consequence: synonymous variant. On other transcripts: missense variant (2), non-coding transcript variant (1).
Genome position (GRCh38, 1-based): chr3:49,685,943, C>T on the plus strand (G>A on the coding strand, the complement: MST1 is on the minus strand). VCF-style: chr3-49685943-C-T. GRCh37 (hg19) VCF-style: chr3-49723376-C-T.
Other names: c.1163G>A, p.Gly388Glu (NM_001393581.1); c.1167G>A, p.Gly389= (NM_001393582.1); c.1037G>A, p.Gly346Glu (NM_001393583.1); c.1032G>A, p.Gly344= (NM_001393584.1); c.867G>A, p.Gly289= (NM_001393585.1); short protein forms G346E, G388E.
Identifiers: ClinVar variation 2653844 (VCV002653844.24), dbSNP rs149086566, ClinGen allele CA2402817.

ClinVar aggregate classification (germline): Likely benign (1 of 4 stars; one submission).

Allele frequency attached by ClinVar (database versions not stated): 1000 Genomes Project 30x 0.00125; 1000 Genomes Project 0.00140; ESP Exome Variant Server 0.00232; ExAC 0.00257.

Submission:

CeGaT Center for Human Genetics Tuebingen
Classification: Likely benign. Last evaluated: 2026-04-01. Review status: criteria provided, single submitter. Criteria: CeGaT Center For Human Genetics Tuebingen Variant Classification Criteria Version 2. Collection method: clinical testing. Allele origin: germline. Affected: yes. Observed: 2 variant alleles.
Comment: MST1: BP4, BP7